The following is an entry in ClinVar:

ClinVar aggregate classification (germline): Benign (1 of 4 stars; one submission).

Conditions:
Autosomal dominant nonsyndromic hearing loss 1. Also called: KONIGSMARK SYNDROME; DEAFNESS, AUTOSOMAL DOMINANT 1, WITH OR WITHOUT THROMBOCYTOPENIA. Identifiers: Orphanet 90635, MedGen C1852282, MONDO:0007424, OMIM 124900.

Allele frequency attached by ClinVar (database versions not stated): gnomAD 0.00604 and 0.00643; TOPMed 0.00685; 1000 Genomes Project 0.00859; 1000 Genomes Project 30x 0.00968.

Submission:

Illumina Laboratory Services, Illumina
Classification: Benign for Autosomal dominant nonsyndromic hearing loss 1. Last evaluated: 2018-01-13. Review status: criteria provided, single submitter. Criteria: ICSL Variant Classification Criteria 13 December 2019. Collection method: clinical testing. Allele origin: germline.
Comment: This variant was observed in the ICSL laboratory as part of a predisposition screen in an ostensibly healthy population. It had not been previously curated by ICSL or reported in the Human Gene Mutation Database (HGMD: prior to June 1st, 2018), and was therefore a candidate for classification through an automated scoring system. Utilizing variant allele frequency, disease prevalence and penetrance estimates, and inheritance mode, an automated score was calculated to assess if this variant is too frequent to cause the disease. Based on the score and internal cut-off values, a variant classified as benign is not then subjected to further curation. The score for this variant resulted in a classification of benign for this disease.

NM_005219.5(DIAPH1):c.*1597G>A

Gene: DIAPH1 (diaphanous related formin 1; minus strand). Cytogenetic location: 5q31.3.
Variant type: single nucleotide variant.
Coding change: c.*1597G>A on transcript NM_005219.5 (MANE Select); 1597 bases downstream of the stop codon, G replaced by A.
Molecular consequence: 3 prime UTR variant.
Genome position (GRCh38, 1-based): chr5:141,515,254, C>T on the plus strand (G>A on the coding strand, the complement: DIAPH1 is on the minus strand). VCF-style: chr5-141515254-C-T. GRCh37 (hg19) VCF-style: chr5-140894821-C-T.
Other names: c.*1597G>A (NM_001079812.3); c.*1716G>A (NM_001314007.2).
Identifiers: ClinVar variation 351259 (VCV000351259.5), dbSNP rs76801798, ClinGen allele CA10622997.